The following is an entry in ClinVar:

ClinVar aggregate classification (germline): Uncertain significance. Review status: criteria provided, multiple submitters, no conflicts (2 of 4 stars). 2 submissions from 2 submitters: Uncertain significance (2). Last evaluated 2022-09-21.

Conditions:
Age related macular degeneration 2. Also called: MACULAR DEGENERATION, SENILE; MACULOPATHY, AGE-RELATED, 2; MACULOPATHY, AGE-RELATED. Identifiers: MedGen C3495438, MONDO:0007932, OMIM 153800.
Severe early-childhood-onset retinal dystrophy (STGD1). Also called: MACULAR DYSTROPHY WITH FLECKS, TYPE 1; STGD; Stargardt macular dystrophy; Juvenile onset macular degeneration; Stargardt disease 1. Identifiers: Orphanet 364055, Orphanet 827, MedGen C1855465, MeSH D000080362, MONDO:0009549, OMIM 248200.
Retinitis pigmentosa 19 (RP19). Also called: ABCA4-Related Retinitis Pigmentosa. Identifiers: Orphanet 791, MedGen C1866422, MONDO:0011137, OMIM 601718.
Cone-rod dystrophy 3 (CORD3). Identifiers: Orphanet 1872, MedGen C1858806, MONDO:0011395, OMIM 604116.

Submissions (2):

Labcorp Genetics (formerly Invitae), Labcorp
Classification: Uncertain significance. Last evaluated: 2022-09-21. Review status: criteria provided, single submitter. Criteria: Invitae Variant Classification Sherloc (09022015). Collection method: clinical testing. Allele origin: germline.
Comment: In summary, the available evidence is currently insufficient to determine the role of this variant in disease. Therefore, it has been classified as a Variant of Uncertain Significance. This sequence change falls in intron 23 of the ABCA4 gene. It does not directly change the encoded amino acid sequence of the ABCA4 protein. It affects a nucleotide within the consensus splice site. This variant is not present in population databases (gnomAD no frequency). This variant has not been reported in the literature in individuals affected with ABCA4-related conditions. Variants that disrupt the consensus splice site are a relatively common cause of aberrant splicing (PMID: 17576681, 9536098). Algorithms developed to predict the effect of sequence changes on RNA splicing suggest that this variant may disrupt the consensus splice site.

Juno Genomics, Hangzhou Juno Genomics, Inc
Classification: Uncertain significance for Retinitis pigmentosa 19; Severe early-childhood-onset retinal dystrophy; Age related macular degeneration 2; Cone-rod dystrophy 3. Review status: criteria provided, single submitter. Criteria: ACMG Guidelines, 2015. Collection method: clinical testing. Allele origin: germline.
Comment: Absent from controls (or at extremely low frequency if recessive) in Genome Aggregation Database.;Multiple lines of computational evidence support a deleterious effect on the gene or gene product.

Literature cited by the submitters: PubMed 17576681 (cited by Labcorp Genetics (formerly Invitae), Labcorp); PubMed 9536098 (cited by Labcorp Genetics (formerly Invitae), Labcorp).

NM_000350.3(ABCA4):c.3523-3C>G

Gene: ABCA4 (ATP binding cassette subfamily A member 4; minus strand). Cytogenetic location: 1p22.1.
Variant type: single nucleotide variant.
Coding change: c.3523-3C>G on transcript NM_000350.3 (MANE Select); 3 bases into the intron before coding-DNA position 3523, C replaced by G.
Molecular consequence: intron variant.
Genome position (GRCh38, 1-based): chr1:94,040,130, G>C on the plus strand (C>G on the coding strand, the complement: ABCA4 is on the minus strand). VCF-style: chr1-94040130-G-C. GRCh37 (hg19) VCF-style: chr1-94505686-G-C.
Identifiers: ClinVar variation 2031711 (VCV002031711.6), dbSNP rs1570369603, ClinGen allele CA2580063419.